The following is an entry in ClinVar:

NM_001127208.3(TET2):c.1147C>G (p.Gln383Glu)

Genes: TET2 (tet methylcytosine dioxygenase 2; plus strand), TET2-AS1 (TET2 antisense RNA 1; minus strand). Cytogenetic location: 4q24.
Variant type: single nucleotide variant.
Coding change: c.1147C>G on transcript NM_001127208.3 (MANE Select); coding-DNA position 1147, C replaced by G.
Protein change: p.Gln383Glu; replaces glutamine 383 with glutamic acid.
Molecular consequence: missense variant.
Genome position (GRCh38, 1-based): chr4:105,235,089, C>G. VCF-style: chr4-105235089-C-G. GRCh37 (hg19) VCF-style: chr4-106156246-C-G.
Other names: c.1147C>G, p.Gln383Glu (NM_017628.4); short protein forms Q383E.
Identifiers: ClinVar variation 4865557 (VCV004865557.1).

ClinVar aggregate classification (germline): Uncertain significance (1 of 4 stars; one submission).

Submission:

Ambry Genetics
Classification: Uncertain significance. Last evaluated: 2026-04-26. Review status: criteria provided, single submitter. Criteria: Ambry Variant Classification Scheme 2023. Collection method: clinical testing. Allele origin: germline.
Comment: The p.Q383E variant (also known as c.1147C>G), located in coding exon 1 of the TET2 gene, results from a C to G substitution at nucleotide position 1147. The glutamine at codon 383 is replaced by glutamic acid, an amino acid with highly similar properties. This amino acid position is conserved. In addition, this alteration is predicted to be tolerated by in silico analysis. Based on the available evidence, the clinical significance of this variant remains unclear.